The following is an entry in ClinVar:

ClinVar aggregate classification (germline): Uncertain significance (1 of 4 stars; one submission).

Conditions:
Neurofibromatosis, type 1 (NF1). Also called: NEUROFIBROMATOSIS, TYPE I, SOMATIC; Neurofibromatosis, type I; Peripheral type neurofibromatosis; VON RECKLINGHAUSEN DISEASE. Identifiers: Orphanet 636, MedGen C0027831, MONDO:0018975, OMIM 162200. Disease mechanism: loss of function.

Submission:

Labcorp Genetics (formerly Invitae), Labcorp
Classification: Uncertain significance for Neurofibromatosis, type 1. Last evaluated: 2026-01-25. Review status: criteria provided, single submitter. Criteria: Invitae Variant Classification Sherloc (09022015). Collection method: clinical testing. Allele origin: germline.
Comment: This sequence change replaces isoleucine, which is neutral and non-polar, with methionine, which is neutral and non-polar, at codon 44 of the NF1 protein (p.Ile44Met). This variant is not present in population databases (gnomAD no frequency). This variant has not been reported in the literature in individuals affected with NF1-related conditions. ClinVar contains an entry for this variant (Variation ID: 2119188). Invitae Evidence Modeling of protein sequence and biophysical properties (such as structural, functional, and spatial information, amino acid conservation, physicochemical variation, residue mobility, and thermodynamic stability) has been performed for this missense variant. However, the output from this modeling did not meet the statistical confidence thresholds required to predict the impact of this variant on NF1 protein function. In summary, the available evidence is currently insufficient to determine the role of this variant in disease. Therefore, it has been classified as a Variant of Uncertain Significance.

NM_001042492.3(NF1):c.132C>G (p.Ile44Met)

Gene: NF1 (neurofibromin 1; plus strand). Cytogenetic location: 17q11.2.
Variant type: single nucleotide variant.
Coding change: c.132C>G on transcript NM_001042492.3 (MANE Select); coding-DNA position 132, C replaced by G.
Protein change: p.Ile44Met; replaces isoleucine 44 with methionine.
Molecular consequence: missense variant.
Genome position (GRCh38, 1-based): chr17:31,156,054, C>G. VCF-style: chr17-31156054-C-G. GRCh37 (hg19) VCF-style: chr17-29483072-C-G.
Other names: c.132C>G, p.Ile44Met (NM_000267.4, NM_001128147.3); short protein forms I44M.
Identifiers: ClinVar variation 2119188 (VCV002119188.4), dbSNP rs765778199, ClinGen allele CA398988410.